The following is an entry in ClinVar:

ClinVar aggregate classification (germline): Pathogenic/Likely pathogenic. Review status: criteria provided, multiple submitters, no conflicts (2 of 4 stars). 9 submissions from 9 submitters: Pathogenic (5); Likely pathogenic (2). 2 of the submissions do not count toward it. Last evaluated 2025-08-01.

Conditions:
FANCC-related disorder. Also called: FANCC-related condition.
Hereditary cancer-predisposing syndrome. Also called: Tumor predisposition; Neoplastic Syndromes, Hereditary; Hereditary neoplastic syndrome; Hereditary Cancer Syndrome. Identifiers: Orphanet 140162, MedGen C0027672, MeSH D009386, MONDO:0015356.
Fanconi anemia (FA). Also called: Fanconi's anemia. Identifiers: Orphanet 84, MedGen C0015625, MeSH D005199, MONDO:0019391.
Fanconi anemia complementation group C (FANCC). Also called: FANCONI PANCYTOPENIA, TYPE 3; FACC; Fanconi anemia, group C; FANCC-Related Fanconi Anemia. Identifiers: Orphanet 84, MedGen C3468041, MONDO:0009213, OMIM 227645.

Allele frequency attached by ClinVar (database versions not stated): TOPMed below 0.00001; ExAC 0.00002; gnomAD exomes 0.00002.
gnomAD v4.1: 12 of 1,610,350 alleles (0.00075%); highest among the groups gnomAD compares: Middle Eastern, 0.017%; no homozygotes.

Submissions (9):

Labcorp Genetics (formerly Invitae), Labcorp
Classification: Pathogenic for Fanconi anemia. Last evaluated: 2025-08-01. Review status: criteria provided, single submitter. Criteria: Invitae Variant Classification Sherloc (09022015). Collection method: clinical testing. Allele origin: germline.
Comment: This sequence change creates a premature translational stop signal (p.Arg174*) in the FANCC gene. It is expected to result in an absent or disrupted protein product. Loss-of-function variants in FANCC are known to be pathogenic (PMID: 17924555). This variant is present in population databases (rs781542763, gnomAD 0.01%). This premature translational stop signal has been observed in individual(s) with Fanconi anemia (PMID: 9452030). This variant is also known as c.775C>T. ClinVar contains an entry for this variant (Variation ID: 189022). For these reasons, this variant has been classified as Pathogenic.

Natera, Inc.
Classification: Pathogenic for Fanconi anemia. Last evaluated: 2025-03-11. Review status: criteria provided, single submitter. Criteria: Natera Variant Classification Schema (03/2026). Collection method: clinical testing. Allele origin: germline.
Comment: The c.520C>T variant in FANCC is a nonsense variant predicted to introduce a stop codon at amino acid 174. This variant is expected to result in nonsense mediated decay, truncation, or a dysfunctional protein product. This variant is rare in the general population with a frequency below the threshold expected for the associated phenotype(s). This variant has been observed in one or more individuals affected with the associated recessive disease, as either homozygous or compound heterozygous with a second variant (PMID: 9452030). Given the available evidence, this variant is classified as Pathogenic.

Blueprint Genetics
Classification: Likely pathogenic for FANCC-related disorders. Last evaluated: 2024-07-08. Review status: criteria provided, single submitter. Criteria: ACMG Guidelines, 2015. Collection method: clinical testing. Allele origin: germline. Affected: yes. Observed: 1 variant allele.

Baylor Genetics
Classification: Pathogenic for Fanconi anemia complementation group C. Last evaluated: 2024-03-07. Review status: criteria provided, single submitter. Criteria: ACMG Guidelines, 2015. Collection method: clinical testing. Allele origin: unknown.

Ambry Genetics
Classification: Pathogenic for Hereditary cancer-predisposing syndrome. Last evaluated: 2024-01-16. Review status: criteria provided, single submitter. Criteria: Ambry Variant Classification Scheme 2023. Collection method: clinical testing. Allele origin: germline.
Comment: The p.R174* pathogenic mutation (also known as c.520C>T), located in coding exon 5 of the FANCC gene, results from a C to T substitution at nucleotide position 520. This changes the amino acid from an arginine to a stop codon within coding exon 5. This alteration is expected to result in loss of function by premature protein truncation or nonsense-mediated mRNA decay. As such, this alteration is interpreted as a disease-causing mutation.

GeneDx
Classification: Likely pathogenic. Last evaluated: 2023-09-08. Review status: criteria provided, single submitter. Criteria: GeneDx Variant Classification Process June 2021. Collection method: clinical testing. Allele origin: germline. Affected: yes.
Comment: Exonic variant demonstrated to result in aberrant splicing leading to an in-frame deletion of exon 7, reported as exon 6 using alternate nomenclature, in a gene for which loss-of-function is a known mechanism of disease (Lo Ten Foe et al., 1998); Observed in individuals with breast, pancreatic, and other cancers (Palmer et al., 2020; Hou et al., 2020; Tian et al., 2020; Chan et al., 2021; Puccini et al., 2022); Not observed at significant frequency in large population cohorts (gnomAD); Also known as 775C>T; This variant is associated with the following publications: (PMID: 36139606, 31721094, 25525159, 9452030, 31980526, 29922827, 12670332, 33602879, 16188693, 32427313, 37558815)

Women's Health and Genetics/Laboratory Corporation of America, LabCorp
Classification: Pathogenic for Fanconi anemia, complementation group C. Last evaluated: 2018-09-20. Review status: criteria provided, single submitter. Criteria: LabCorp Variant Classification Summary - May 2015. Collection method: clinical testing. Allele origin: germline.
Comment: Variant summary: FANCC c.520C>T (p.Arg174X) results in a premature termination codon, predicted to cause a truncation of the encoded protein or absence of the protein due to nonsense mediated decay, which are commonly known mechanisms for disease. 5/5 computational tools predict no significant impact on normal splicing, however one publication reports the variant to result in skipping of exon 6 (LoTen Foe_1998). The variant allele was found at a frequency of 1.6e-05 in 245902 control chromosomes (gnomAD). The variant, c.520C>T, has been reported in the literature in one individual affected with Fanconi Anemia Group C (LoTen Foe_1998). No clinical diagnostic laboratories have submitted clinical-significance assessments for this variant to ClinVar after 2014. Based on the evidence outlined above, the variant was classified as pathogenic.

Leiden Open Variation Database
Classification: Pathogenic for Fanconi anemia complementation group C. Last evaluated: 2020-02-28. Review status: no assertion criteria provided. Collection method: curation. Allele origin: germline. Affected: yes. Not counted in ClinVar's aggregate classification.
Comment: Curator: Arleen D. Auerbach. Submitter to LOVD: Arleen D. Auerbach.

Counsyl
Classification: Likely pathogenic for Fanconi anemia, complementation group C. Last evaluated: 2014-10-17. Review status: no assertion criteria provided. Collection method: literature only. Allele origin: unknown. Inheritance: Autosomal recessive inheritance. Not counted in ClinVar's aggregate classification.

Literature cited by the submitters: PubMed 17924555 (cited by Labcorp Genetics (formerly Invitae), Labcorp); PubMed 9452030 (cited by 5 submitters); PubMed 12670332 (cited by Ambry Genetics and Women's Health and Genetics/Laboratory Corporation of America, LabCorp); PubMed 29922827 (cited by Women's Health and Genetics/Laboratory Corporation of America, LabCorp); PubMed 09452030 (cited by Leiden Open Variation Database).

NM_000136.3(FANCC):c.520C>T (p.Arg174Ter)

Gene: FANCC (FA complementation group C; minus strand). Cytogenetic location: 9q22.32.
Variant type: single nucleotide variant.
Coding change: c.520C>T on transcript NM_000136.3 (MANE Select); coding-DNA position 520, C replaced by T.
Protein change: p.Arg174Ter; replaces arginine 174 with a stop codon.
Molecular consequence: nonsense.
Genome position (GRCh38, 1-based): chr9:95,171,080, G>A on the plus strand (C>T on the coding strand, the complement: FANCC is on the minus strand). VCF-style: chr9-95171080-G-A. GRCh37 (hg19) VCF-style: chr9-97933362-G-A.
Other names: c.520C>T, p.Arg174Ter (NM_001243743.2, NM_001243744.2); short protein forms R174*.
Identifiers: ClinVar variation 189022 (VCV000189022.24), dbSNP rs781542763, ClinGen allele CA274274.